The following is an entry in ClinVar:

ClinVar aggregate classification (germline): Uncertain significance (1 of 4 stars; one submission).

gnomAD v4.1: 1 of 1,614,164 alleles (0.000062%); highest among the groups gnomAD compares: Non-Finnish European, 0.000085%; no homozygotes.

Submission:

Labcorp Genetics (formerly Invitae), Labcorp
Classification: Uncertain significance. Last evaluated: 2026-01-19. Review status: criteria provided, single submitter. Criteria: Invitae Variant Classification Sherloc (09022015). Collection method: clinical testing. Allele origin: germline.
Comment: This sequence change replaces alanine, which is neutral and non-polar, with serine, which is neutral and polar, at codon 76 of the OAS1 protein (p.Ala76Ser). This variant is not present in population databases (gnomAD no frequency). This variant has not been reported in the literature in individuals affected with OAS1-related conditions. An algorithm developed to predict the effect of missense changes on protein structure and function (PolyPhen-2) suggests that this variant is likely to be disruptive. This variant disrupts the p.Ala76 amino acid residue in OAS1. Other variant(s) that disrupt this residue have been determined to be pathogenic (PMID: 29455859, 34145065). This suggests that this residue is clinically significant, and that variants that disrupt this residue are likely to be disease-causing. In summary, the available evidence is currently insufficient to determine the role of this variant in disease. Therefore, it has been classified as a Variant of Uncertain Significance.

Literature cited by the submitters: PubMed 29455859; PubMed 34145065.

NM_016816.4(OAS1):c.226G>T (p.Ala76Ser)

Gene: OAS1 (2'-5'-oligoadenylate synthetase 1; plus strand). Cytogenetic location: 12q24.13.
Variant type: single nucleotide variant.
Coding change: c.226G>T on transcript NM_016816.4 (MANE Select); coding-DNA position 226, G replaced by T.
Protein change: p.Ala76Ser; replaces alanine 76 with serine.
Molecular consequence: missense variant. On other transcripts: non-coding transcript variant (9), intron variant (4).
Genome position (GRCh38, 1-based): chr12:112,908,581, G>T. VCF-style: chr12-112908581-G-T. GRCh37 (hg19) VCF-style: chr12-113346386-G-T.
Other names: c.226G>T, p.Ala76Ser (NM_001032409.3, NM_001320151.2, NM_001406020.1 and 6 more transcripts); c.180+1362G>T (NM_001406030.1, NM_001406029.1, NM_001406027.1 and 1 more transcripts); short protein forms A76S.
Identifiers: ClinVar variation 4735681 (VCV004735681.1).